The following is an entry in ClinVar:

ClinVar aggregate classification (germline): Uncertain significance. Review status: criteria provided, multiple submitters, no conflicts (2 of 4 stars). 2 submissions from 2 submitters: Uncertain significance (2). Last evaluated 2025-09-22.

Submissions (2):

Ambry Genetics
Classification: Uncertain significance. Last evaluated: 2025-09-22. Review status: criteria provided, single submitter. Criteria: Ambry Variant Classification Scheme 2023. Collection method: clinical testing. Allele origin: germline.

Labcorp Genetics (formerly Invitae), Labcorp
Classification: Uncertain significance. Last evaluated: 2022-07-15. Review status: criteria provided, single submitter. Criteria: Invitae Variant Classification Sherloc (09022015). Collection method: clinical testing. Allele origin: germline.
Comment: This sequence change replaces isoleucine, which is neutral and non-polar, with valine, which is neutral and non-polar, at codon 545 of the RASA2 protein (p.Ile545Val). This variant is not present in population databases (gnomAD no frequency). This variant has not been reported in the literature in individuals affected with RASA2-related conditions. Algorithms developed to predict the effect of missense changes on protein structure and function are either unavailable or do not agree on the potential impact of this missense change (SIFT: "Tolerated"; PolyPhen-2: "Probably Damaging"; Align-GVGD: "Class C0"). In summary, the available evidence is currently insufficient to determine the role of this variant in disease. Therefore, it has been classified as a Variant of Uncertain Significance.

NM_006506.5(RASA2):c.1633A>G (p.Ile545Val)

Gene: RASA2 (RAS p21 protein activator 2; plus strand). Cytogenetic location: 3q23.
Variant type: single nucleotide variant.
Coding change: c.1633A>G on transcript NM_006506.5 (MANE Select); coding-DNA position 1633, A replaced by G.
Protein change: p.Ile545Val; replaces isoleucine 545 with valine.
Molecular consequence: missense variant.
Genome position (GRCh38, 1-based): chr3:141,580,410, A>G. VCF-style: chr3-141580410-A-G. GRCh37 (hg19) VCF-style: chr3-141299252-A-G.
Other names: c.1633A>G (NM_006506.2); c.1633A>G, p.Ile545Val (NM_001303245.3, NM_001303246.3); short protein forms I545V.
Identifiers: ClinVar variation 1945187 (VCV001945187.7), dbSNP rs2083093247, ClinGen allele CA354779770.